The following is an entry in ClinVar:

NM_004700.4(KCNQ4):c.1614-2A>G

Gene: KCNQ4 (potassium voltage-gated channel subfamily Q member 4; plus strand). Cytogenetic location: 1p34.2.
Variant type: single nucleotide variant.
Coding change: c.1614-2A>G on transcript NM_004700.4 (MANE Select); the canonical splice acceptor site of the intron before coding-DNA position 1614, A replaced by G.
Molecular consequence: splice acceptor variant.
Genome position (GRCh38, 1-based): chr1:40,834,965, A>G. VCF-style: chr1-40834965-A-G. GRCh37 (hg19) VCF-style: chr1-41300637-A-G.
Other names: c.1452-2A>G (NM_172163.3).
Identifiers: ClinVar variation 2695006 (VCV002695006.3), dbSNP rs2523944910, ClinGen allele CA339887933.
Genomic context (GRCh38, chr1:40,834,965, plus strand): 5'-GGGTGCTGGGAAAGAATCCCTGCTCTAACAGGACACTCCCTCTGAGCCCCCTCCCCCAAC[A>G]GGATTCTCAAGTTCCTGGTGGCCAAAAGGAAATTCAAGGAGACACTGCGACCGTACGACG-3'

ClinVar aggregate classification (germline): Likely pathogenic (1 of 4 stars; one submission).

Submission:

Labcorp Genetics (formerly Invitae), Labcorp
Classification: Likely pathogenic. Last evaluated: 2024-01-01. Review status: criteria provided, single submitter. Criteria: Invitae Variant Classification Sherloc (09022015). Collection method: clinical testing. Allele origin: germline.
Comment: This sequence change affects an acceptor splice site in intron 11 of the KCNQ4 gene. It is expected to disrupt RNA splicing. Variants that disrupt the donor or acceptor splice site typically lead to a loss of protein function (PMID: 16199547), and loss-of-function variants in KCNQ4 are known to be pathogenic (PMID: 23717403). This variant is not present in population databases (gnomAD no frequency). This variant has not been reported in the literature in individuals affected with KCNQ4-related conditions. Algorithms developed to predict the effect of sequence changes on RNA splicing suggest that this variant may disrupt the consensus splice site. In summary, the currently available evidence indicates that the variant is pathogenic, but additional data are needed to prove that conclusively. Therefore, this variant has been classified as Likely Pathogenic.

Literature cited by the submitters: PubMed 16199547; PubMed 23717403.